The following is an entry in ClinVar:

ClinVar aggregate classification (germline): Uncertain significance. Review status: criteria provided, multiple submitters, no conflicts (2 of 4 stars). 2 submissions from 2 submitters: Uncertain significance (2). Last evaluated 2024-07-16.

Conditions:
Inborn genetic diseases. Identifiers: MedGen C0950123, MeSH D030342.

Submissions (2):

Ambry Genetics
Classification: Uncertain significance for Inborn genetic diseases. Last evaluated: 2024-07-16. Review status: criteria provided, single submitter. Criteria: Ambry Variant Classification Scheme 2023. Collection method: clinical testing. Allele origin: germline.

Labcorp Genetics (formerly Invitae), Labcorp
Classification: Uncertain significance. Last evaluated: 2024-01-24. Review status: criteria provided, single submitter. Criteria: Invitae Variant Classification Sherloc (09022015). Collection method: clinical testing. Allele origin: germline.
Comment: This sequence change replaces asparagine, which is neutral and polar, with threonine, which is neutral and polar, at codon 926 of the TUBGCP6 protein (p.Asn926Thr). This variant is not present in population databases (gnomAD no frequency). This variant has not been reported in the literature in individuals affected with TUBGCP6-related conditions. ClinVar contains an entry for this variant (Variation ID: 2111320). An algorithm developed to predict the effect of missense changes on protein structure and function (PolyPhen-2) suggests that this variant is likely to be tolerated. In summary, the available evidence is currently insufficient to determine the role of this variant in disease. Therefore, it has been classified as a Variant of Uncertain Significance.

NM_020461.4(TUBGCP6):c.2777A>C (p.Asn926Thr)

Gene: TUBGCP6 (tubulin gamma complex component 6; minus strand). Cytogenetic location: 22q13.33.
Variant type: single nucleotide variant.
Coding change: c.2777A>C on transcript NM_020461.4 (MANE Select); coding-DNA position 2777, A replaced by C.
Protein change: p.Asn926Thr; replaces asparagine 926 with threonine.
Molecular consequence: missense variant.
Genome position (GRCh38, 1-based): chr22:50,221,582, T>G on the plus strand (A>C on the coding strand, the complement: TUBGCP6 is on the minus strand). VCF-style: chr22-50221582-T-G. GRCh37 (hg19) VCF-style: chr22-50660011-T-G.
Other names: c.2777A>C (NM_020461.3); short protein forms N926T.
Identifiers: ClinVar variation 2111320 (VCV002111320.5), dbSNP rs2519138388, ClinGen allele CA412186885.